The following continues an entry in ClinVar:

NM_000402.4(G6PD):c.1093G>A (p.Ala365Thr)

Gene: G6PD. ClinVar aggregate classification (germline): Pathogenic. Pathogenic (23).

Submissions 15 to 28 of 28:

Neuberg Centre For Genomic Medicine, NCGM
Classification: Pathogenic for Anemia, nonspherocytic hemolytic, due to G6PD deficiency. Last evaluated: 2023-03-01. Review status: criteria provided, single submitter. Criteria: ACMG Guidelines, 2015. Collection method: clinical testing. Allele origin: germline. Inheritance: X-linked inheritance. Affected: yes.
Comment: The missense c.1003G>A(p.Ala335Thr) variant in G6PD gene has been reported previously in homozygous or hemizygous states in multiple individuals affected with G6PD deficiency (Gandomani MG, et. al., 2011; Al-Allawi N, et. al., 2010; Kawamoto F, et. al., 2006). Experimental studies indicate that this variant causes decreased affinity for glucose-6-phosphate and a significant reduction of thermostability, affecting G6PD function (Gandomani MG, et. al., 2011). The p.Ala335Thr variant has been reported with allele frequency of 0.02% in gnomAD Exomes and is novel (not in any individuals) in 1000 Genomes. This variant has been reported to the ClinVar database as Uncertain Significance / Pathogenic (multiple submissions). The amino acid change p.Ala335Thr in G6PD is predicted as conserved by GERP++ and PhyloP across 100 vertebrates. The amino acid Ala at position 335 is changed to a Thr changing protein sequence and it might alter its composition and physico-chemical properties. For these reasons, this variant has been classified as Pathogenic.

Dunham Lab, University of Washington
Classification: Pathogenic for Anemia, nonspherocytic hemolytic, due to G6PD deficiency. Last evaluated: 2022-08-12. Review status: criteria provided, single submitter. Criteria: Bayesian ACMG Guidelines, 2018. Collection method: curation. Allele origin: inherited. Affected: yes.
Comment: Variant found in unrelated hemizygotes with deficiency, some with anemia, jaundice, favism, and CNSHA (PS4_M, PP4). In one family, three brothers all have variant and CNSHA (PP1). Decreased activity in red blood cells (0-32%) (PS3). Predicted to be disease causing by Mutation Taster, probably damaging by PolyPhen, and damaging by SIFT (PP3). Below expected carrier frequency in gnomAD (PM2). Reported as pathogenic by multiple clinical testing groups (PP5). Post_P 0.999 (odds of pathogenicity 6563, Prior_P 0.1).

MGZ Medical Genetics Center
Classification: Pathogenic for Anemia, nonspherocytic hemolytic, due to G6PD deficiency. Last evaluated: 2022-05-23. Review status: criteria provided, single submitter. Criteria: ACMG Guidelines, 2015. Collection method: clinical testing. Allele origin: germline. Affected: yes. Observed: 2 variant alleles.
Comment: ACMG criteria applied: PS3, PS4, PM3, PM2_SUP, PP3

Mendelics
Classification: Pathogenic for Anemia, nonspherocytic hemolytic, due to G6PD deficiency. Last evaluated: 2022-05-04. Review status: criteria provided, single submitter. Criteria: Mendelics Assertion Criteria 2019. Collection method: clinical testing. Allele origin: germline.

Fulgent Genetics
Classification: Pathogenic for Anemia, nonspherocytic hemolytic, due to G6PD deficiency; Malaria, susceptibility to. Last evaluated: 2018-10-31. Review status: criteria provided, single submitter. Criteria: ACMG Guidelines, 2015. Collection method: clinical testing. Allele origin: unknown.

Ambry Genetics
Classification: Pathogenic for Inborn genetic diseases. Last evaluated: 2014-09-07. Review status: criteria provided, single submitter. Criteria: Ambry exome assertion method (8-5-2015). Collection method: clinical testing. Allele origin: germline. Affected: yes. Observed: 1 variant allele.

Eurofins Ntd Llc (ga)
Classification: Pathogenic. Last evaluated: 2014-02-10. Review status: criteria provided, single submitter. Criteria: EGL Classification Definitions. Collection method: clinical testing. Allele origin: germline. Observed: 2 variant alleles, 1 heterozygote, 1 hemizygote.

Kariminejad - Najmabadi Pathology & Genetics Center
Classification: Pathogenic for Anemia, nonspherocytic hemolytic, due to G6PD deficiency. Review status: criteria provided, single submitter. Criteria: ACMG Guidelines, 2015. Collection method: clinical testing. Allele origin: germline. Affected: no.

Lifecell International Pvt. Ltd
Classification: Pathogenic for Anemia, nonspherocytic hemolytic, due to G6PD deficiency. Review status: criteria provided, single submitter. Criteria: ACMG Guidelines, 2015. Collection method: clinical testing. Allele origin: germline. Inheritance: X-linked recessive inheritance. Affected: yes. Observed: 1 hemizygote.
Comment: This variant in exon 9 of the G6PD gene results in the amino acid substitution from Alanine to Threonine at codon 365 (p.Ala365Thr) with the sequence change of c.1093G>A (NM_000402.4). The reference base is conserved in mammals and in-silico predictions by Polyphen and SIFT are damaging. The Missense Variants Z-Score for this variant is 2.60. Missense Variants Z-Score is produced by the Exome Aggregation Consortium (60,706 adult humans) by computing a signed Z score for the deviation of observed counts from the expected number. Positive Z scores indicate increased constraint (intolerance to variation) and therefore that the gene had fewer missense variants than expected. The G6PD c.1093G>A; p.Ala365Thr variant, also referred to as c.1003G>A; p.Ala335Thr, commonly known as Chatham variant, causes class II of G6PD deficiency characterized by possessing less than 10% of normal enzyme activity, which makes it one of the most severe forms of G6PD deficiency (Gandomani et al. 2011; PMID:21677401). This variant has been reported in multiple individuals affected with glucose-6-phosphatedehydrogenase deficiency and is the second most common variant in several Middle-East countries and in some provinces of Iran (Kashmoola et al., 2015; PMID:25548459, Rahimi Z et al., 2006; PMID:16938474, Iwai et al., PMID:11499668). Experimental studies have shown that this missense change affects substrate affinity and stability of the glucose-6-phosphate dehydrogenase protein (Vulliamy et al., 1988; PMID:3393536)

Department of Genetics, Sultan Qaboos University Hospital
Classification: Pathogenic for Anemia, nonspherocytic hemolytic, due to G6PD deficiency. Last evaluated: 2024-06-12. Review status: no assertion criteria provided. Collection method: curation. Allele origin: unknown. Affected: yes. Not counted in ClinVar's aggregate classification.

Clinical Laboratory Sciences Program (CLSP), King Saud bin Abdulaziz University for Health Sciences (KSAU-HS)
Classification: Pathogenic for Anemia, nonspherocytic hemolytic, due to G6PD deficiency. Last evaluated: 2023-04-01. Review status: no assertion criteria provided. Collection method: clinical testing. Allele origin: germline. Affected: yes. Not counted in ClinVar's aggregate classification.

OMIM
Classification: other for G6PD CHATHAM. Last evaluated: 2017-05-24. Review status: no assertion criteria provided. Collection method: literature only. Allele origin: germline. Not counted in ClinVar's aggregate classification.

Counsyl
Classification: Pathogenic for Anemia, nonspherocytic hemolytic, due to G6PD deficiency. Last evaluated: 2015-06-13. Review status: no assertion criteria provided. Collection method: clinical testing. Allele origin: unknown. Not counted in ClinVar's aggregate classification.

3billion
Classification: Uncertain significance for Anemia, nonspherocytic hemolytic, due to G6PD deficiency. Last evaluated: 2023-06-02. Review status: flagged submission. Criteria: ACMG Guidelines, 2015. Collection method: clinical testing. Allele origin: germline. Affected: yes. Not counted in ClinVar's aggregate classification.
Comment: The variant is observed at an allele frequency greater than expected for the associated disorder in the gnomAD v2.1.1 dataset. However, this variant is the second most common variant of G6PD deficiency in several Middle-East countries and in some provinces of Iran (ClinVar ID: VCV000010363). Predicted Consequence/Location: Missense changes are a common disease-causing mechanism. In silico tool predictions suggest damaging effect of the variant on gene or gene product (REVEL: 0.61; 3Cnet: 0.95). Same nucleotide change resulting in same amino acid change has been previously reported as pathogenic/likely pathogenic with strong evidence (ClinVar ID: VCV000010363 /PMID: 3393536). Different missense changes at the same codon (p.Ala335Asp, p.Ala335Val) have been reported as pathogenic/likely pathogenic with strong evidence (ClinVar ID: VCV001068217 /PMID: 25775246, 7803800). Therefore, this variant is classified as Pathogenic according to the recommendation of ACMG/AMP guideline.
ClinVar note: Notes: Lab calls variant pathogenic in evidence summary but submitted an interpretation of uncertain significance.
ClinVar note: Reason: Other submission error

Literature cited by the submitters: PubMed 33100726 (cited by Victorian Clinical Genetics Services, Murdoch Childrens Research Institute); PubMed 3393536 (cited by 4 submitters); PubMed 11499668 (cited by Labcorp Genetics (formerly Invitae), Labcorp); PubMed 12497642 (cited by Labcorp Genetics (formerly Invitae), Labcorp and Dunham Lab, University of Washington); PubMed 15315792 (cited by Labcorp Genetics (formerly Invitae), Labcorp and Dunham Lab, University of Washington); PubMed 16927025 (cited by Labcorp Genetics (formerly Invitae), Labcorp and Ambry Genetics); PubMed 20602793 (cited by Labcorp Genetics (formerly Invitae), Labcorp); PubMed 21677401 (cited by 3 submitters); PubMed 22293322 (cited by Labcorp Genetics (formerly Invitae), Labcorp); PubMed 25548459 (cited by Labcorp Genetics (formerly Invitae), Labcorp); PubMed 26060661 (cited by Labcorp Genetics (formerly Invitae), Labcorp and Center for Genomic Medicine, Rigshospitalet, Copenhagen University Hospital); PubMed 7803800 (cited by Labcorp Genetics (formerly Invitae), Labcorp); PubMed 15625830 (cited by Labcorp Genetics (formerly Invitae), Labcorp); PubMed 25775246 (cited by Labcorp Genetics (formerly Invitae), Labcorp and 3billion); PubMed 8193373 (cited by Dunham Lab, University of Washington); PubMed 16329560 (cited by Dunham Lab, University of Washington); PubMed 9250351 (cited by Dunham Lab, University of Washington); PubMed 7959686 (cited by Dunham Lab, University of Washington); PubMed 32425388 (cited by Dunham Lab, University of Washington); PubMed 22906837 (cited by Dunham Lab, University of Washington); PubMed 8244337 (cited by Dunham Lab, University of Washington); PubMed 22452742 (cited by Dunham Lab, University of Washington); PubMed 24134566 (cited by Dunham Lab, University of Washington); PubMed 31863082 (cited by Dunham Lab, University of Washington); PubMed 21507207 (cited by Dunham Lab, University of Washington); PubMed 33636823 (cited by Dunham Lab, University of Washington); PubMed 9017974 (cited by Dunham Lab, University of Washington); PubMed 31862010 (cited by Dunham Lab, University of Washington); PubMed 34620237 (cited by Dunham Lab, University of Washington); PubMed 14505231 (cited by Ambry Genetics); PubMed 15223006 (cited by Ambry Genetics); PubMed 24551785 (cited by Ambry Genetics); PubMed 27980749 (cited by Ambry Genetics); PubMed 2503817 (cited by OMIM); PubMed 12028056 (cited by OMIM); PubMed 2849540 (cited by Counsyl).